The following is an entry in ClinVar:

NM_006118.4(HAX1):c.285G>T (p.Met95Ile)

Gene: HAX1 (HCLS1 associated protein X-1; plus strand). Cytogenetic location: 1q21.3.
Variant type: single nucleotide variant.
Coding change: c.285G>T on transcript NM_006118.4 (MANE Select); coding-DNA position 285, G replaced by T.
Protein change: p.Met95Ile; replaces methionine 95 with isoleucine.
Molecular consequence: missense variant.
Genome position (GRCh38, 1-based): chr1:154,273,567, G>T. VCF-style: chr1-154273567-G-T. GRCh37 (hg19) VCF-style: chr1-154246043-G-T.
Other names: c.141G>T, p.Met47Ile (NM_001018837.2); short protein forms M47I, M95I.
Identifiers: ClinVar variation 4621323 (VCV004621323.1).

ClinVar aggregate classification (germline): Uncertain significance (1 of 4 stars; one submission).

Conditions:
Inborn genetic diseases. Identifiers: MedGen C0950123, MeSH D030342.

Submission:

Ambry Genetics
Classification: Uncertain significance for Inborn genetic diseases. Last evaluated: 2025-09-20. Review status: criteria provided, single submitter. Criteria: Ambry Variant Classification Scheme 2023. Collection method: clinical testing. Allele origin: germline.
Comment: The p.M95I variant (also known as c.285G>T), located in coding exon 2 of the HAX1 gene, results from a G to T substitution at nucleotide position 285. The methionine at codon 95 is replaced by isoleucine, an amino acid with highly similar properties. This amino acid position is conserved. In addition, this alteration is predicted to be tolerated by in silico analysis. Based on the available evidence, the clinical significance of this variant remains unclear.